The following is an entry in ClinVar:

ClinVar aggregate classification (germline): Benign/Likely benign. Review status: criteria provided, multiple submitters, no conflicts (2 of 4 stars). 12 submissions from 12 submitters: Benign (10); Likely benign (1). 1 of the submissions does not count toward it. Last evaluated 2026-02-04.

Conditions:
Primary ciliary dyskinesia. Also called: Ciliary dyskinesia. Identifiers: Orphanet 244, MedGen C0008780, MONDO:0016575, HP:0012265.
Primary ciliary dyskinesia 3. Identifiers: Orphanet 244, MedGen C1837618, MONDO:0012085, OMIM 608644.

Allele frequency attached by ClinVar (database versions not stated): gnomAD exomes 0.27974 and 0.29833; TOPMed 0.29127; ESP Exome Variant Server 0.29779; ExAC 0.30045; gnomAD 0.30832 and 0.30960; 1000 Genomes Project 30x 0.30887; 1000 Genomes Project 0.31030.
gnomAD v4.1: 455,168 of 1,612,358 alleles (28%); highest among the groups gnomAD compares: South Asian, 43%; 68,300 homozygotes.

Submissions (12):

Labcorp Genetics (formerly Invitae), Labcorp
Classification: Benign for Primary ciliary dyskinesia. Last evaluated: 2026-02-04. Review status: criteria provided, single submitter. Criteria: Invitae Variant Classification Sherloc (09022015). Collection method: clinical testing. Allele origin: germline.

Blueprint Genetics
Classification: Likely benign. Last evaluated: 2024-11-26. Review status: criteria provided, single submitter. Criteria: ACMG Guidelines, 2015. Collection method: clinical testing. Allele origin: germline.

Mayo Clinic Laboratories, Mayo Clinic
Classification: Benign. Last evaluated: 2022-04-26. Review status: criteria provided, single submitter. Criteria: ACMG Guidelines, 2015. Collection method: clinical testing. Allele origin: germline. Observed: 91 variant alleles.

Genome-Nilou Lab
Classification: Benign for Primary ciliary dyskinesia 3. Last evaluated: 2021-07-30. Review status: criteria provided, single submitter. Criteria: ACMG Guidelines, 2015. Collection method: clinical testing. Allele origin: germline. Affected: no.

Pars Genome Lab
Classification: Benign for Primary ciliary dyskinesia 3. Last evaluated: 2021-06-15. Review status: criteria provided, single submitter. Criteria: ACMG Guidelines, 2015. Collection method: clinical testing. Allele origin: germline. Affected: no.

GeneDx
Classification: Benign. Last evaluated: 2019-01-13. Review status: criteria provided, single submitter. Criteria: GeneDx Variant Classification Process June 2021. Collection method: clinical testing. Allele origin: germline. Affected: yes.

Illumina Laboratory Services, Illumina
Classification: Benign for Primary ciliary dyskinesia 3. Last evaluated: 2018-01-12. Review status: criteria provided, single submitter. Criteria: ICSL Variant Classification Criteria 13 December 2019. Collection method: clinical testing. Allele origin: germline.
Comment: This variant was observed in the ICSL laboratory as part of a predisposition screen in an ostensibly healthy population. It had not been previously curated by ICSL or reported in the Human Gene Mutation Database (HGMD: prior to June 1st, 2018), and was therefore a candidate for classification through an automated scoring system. Utilizing variant allele frequency, disease prevalence and penetrance estimates, and inheritance mode, an automated score was calculated to assess if this variant is too frequent to cause the disease. Based on the score and internal cut-off values, a variant classified as benign is not then subjected to further curation. The score for this variant resulted in a classification of benign for this disease.

Ambry Genetics
Classification: Benign for Primary ciliary dyskinesia. Last evaluated: 2014-12-15. Review status: criteria provided, single submitter. Criteria: Ambry Variant Classification Scheme 2023. Collection method: clinical testing. Allele origin: germline.

Laboratory for Molecular Medicine, Mass General Brigham Personalized Medicine
Classification: Benign. Last evaluated: 2013-02-21. Review status: criteria provided, single submitter. Criteria: LMM Criteria. Collection method: clinical testing. Allele origin: germline. Observed: 43 variant alleles.
Comment: Glu3380Glu in exon 60 of DNAH5: This variant is not expected to have clinical si gnificance because it does not alter an amino acid residue and is not located wi thin the splice consensus sequence. It has been identified in 36.3% (1601/4406) of African American chromosomes from a broad population by the NHLBI Exome Seque ncing Project (dbSNP rs6554812).

Breakthrough Genomics
Classification: Benign. Review status: criteria provided, single submitter. Criteria: ACMG Guidelines, 2015. Collection method: not provided. Allele origin: germline. Inheritance: Autosomal recessive inheritance. Affected: yes.

PreventionGenetics, part of Exact Sciences
Classification: Benign. Review status: criteria provided, single submitter. Criteria: ACMG Guidelines, 2015. Collection method: clinical testing. Allele origin: germline.

Natera, Inc.
Classification: Benign for Primary ciliary dyskinesia. Last evaluated: 2020-09-16. Review status: no assertion criteria provided. Collection method: clinical testing. Allele origin: germline. Not counted in ClinVar's aggregate classification.

NM_001369.3(DNAH5):c.10140A>G (p.Glu3380=)

Gene: DNAH5 (dynein axonemal heavy chain 5; minus strand). Cytogenetic location: 5p15.2.
Variant type: single nucleotide variant.
Coding change: c.10140A>G on transcript NM_001369.3 (MANE Select); coding-DNA position 10140, A replaced by G.
Protein change: p.Glu3380=; no amino-acid change (glutamic acid 3380 retained).
Molecular consequence: synonymous variant.
Genome position (GRCh38, 1-based): chr5:13,762,863, T>C on the plus strand (A>G on the coding strand, the complement: DNAH5 is on the minus strand). VCF-style: chr5-13762863-T-C. GRCh37 (hg19) VCF-style: chr5-13762972-T-C.
Other names: p.Glu3380=.
Identifiers: ClinVar variation 163137 (VCV000163137.31), dbSNP rs6554812, ClinGen allele CA175776.